The following is an entry in ClinVar:

NM_020738.4(KIDINS220):c.1458C>T (p.Phe486=)

Gene: KIDINS220 (kinase D interacting substrate 220; minus strand). Cytogenetic location: 2p25.1.
Variant type: single nucleotide variant.
Coding change: c.1458C>T on transcript NM_020738.4 (MANE Select); coding-DNA position 1458, C replaced by T.
Protein change: p.Phe486=; no amino-acid change (phenylalanine 486 retained).
Molecular consequence: synonymous variant. On other transcripts: non-coding transcript variant (2).
Genome position (GRCh38, 1-based): chr2:8,790,043, G>A on the plus strand (C>T on the coding strand, the complement: KIDINS220 is on the minus strand). VCF-style: chr2-8790043-G-A. GRCh37 (hg19) VCF-style: chr2-8930173-G-A.
Other names: c.1461C>T, p.Phe487= (NM_001348729.2, NM_001348731.2, NM_001348734.2 and 3 more transcripts); c.1458C>T, p.Phe486= (NM_001348732.2, NM_001348735.2, NM_001348738.2 and 3 more transcripts); c.1332C>T, p.Phe444= (NM_001348736.2).
Identifiers: ClinVar variation 3044085 (VCV003044085.2), dbSNP rs565969333, ClinGen allele CA1520180.
Genomic context (GRCh38, chr2:8,790,043, plus strand): 5'-CAGGGTAAGAAACACTATGAGCCATGAGAACTGAAAGAGAGGCTCAATCTGTTGTCCGGC[G>A]AAGGTTTTCATTTCGTCTGAAAGAGAATTTAATACGAAACCTTATTCCTGTTTTGTTTAA-3'
Protein context (NP_065789.1, residues 476-496): LKKLEDEMKT[Phe486=]AGQQIEPLFQ

ClinVar aggregate classification (germline): Likely benign (0 of 4 stars; one submission).

Conditions:
KIDINS220-related disorder. Also called: KIDINS220-related condition.

Allele frequency attached by ClinVar (database versions not stated): gnomAD 0.00001; TOPMed 0.00001; gnomAD exomes 0.00002; ExAC 0.00004; 1000 Genomes Project 30x 0.00031; 1000 Genomes Project 0.00040.
gnomAD v4.1: 36 of 1,591,652 alleles (0.0023%); highest among the groups gnomAD compares: East Asian, 0.013%; no homozygotes.

Submission:

PreventionGenetics, part of Exact Sciences
Classification: Likely benign for KIDINS220-related condition. Last evaluated: 2022-11-09. Review status: no assertion criteria provided. Collection method: clinical testing. Allele origin: germline.
Comment: This variant is classified as likely benign based on ACMG/AMP sequence variant interpretation guidelines (Richards et al. 2015 PMID: 25741868, with internal and published modifications).